The following is an entry in ClinVar:

NC_000016.9:g.(3724496_3725324)_(3729792_3735996)del

Gene: TRAP1 (TNF receptor associated protein 1; minus strand). Cytogenetic location: 16p13.3.
Variant type: Deletion.
Identifiers: ClinVar variation 4848685 (VCV004848685.1).

ClinVar aggregate classification (germline): Uncertain significance (1 of 4 stars; one submission).

Submission:

Women's Health and Genetics/Laboratory Corporation of America, LabCorp
Classification: Uncertain significance. Last evaluated: 2026-04-10. Review status: criteria provided, single submitter. Criteria: LabCorp Variant Classification Summary - May 2015. Collection method: clinical testing. Allele origin: germline.
Comment: Variant summary: The variant involves the deletion of exons 5-8 in the TRAP1 gene. A presumed nomenclature of c.(471+1_472-1)_(888+1_889-1)del has been designated for the purposes of this classification. This Copy Number Variant (CNV) is predicted to result in an in-frame deletion within this gene. Current evidence is not sufficient to establish loss of function as a mechanism for disease. The variant was absent in 21688 control chromosomes. The available data on variant occurrences in the general population are insufficient to allow any conclusion about variant significance. To our knowledge, no occurrence of similar CNVs in individuals affected with TRAP1-related conditions and no experimental evidence demonstrating impact on protein function have been reported. ClinVar contains an entry for a similar CNV (Variation ID: 2426289). Based on the evidence outlined above, the variant was classified as uncertain significance.